The following is an entry in ClinVar:

NM_001206927.2(DNAH8):c.6656T>C (p.Val2219Ala)

Gene: DNAH8 (dynein axonemal heavy chain 8; plus strand). Cytogenetic location: 6p21.2.
Variant type: single nucleotide variant.
Coding change: c.6656T>C on transcript NM_001206927.2 (MANE Select); coding-DNA position 6656, T replaced by C.
Protein change: p.Val2219Ala; replaces valine 2219 with alanine.
Molecular consequence: missense variant.
Genome position (GRCh38, 1-based): chr6:38,866,839, T>C. VCF-style: chr6-38866839-T-C. GRCh37 (hg19) VCF-style: chr6-38834615-T-C.
Other names: c.6005T>C, p.Val2002Ala (NM_001371.4); short protein forms V2219A, V2002A.
Identifiers: ClinVar variation 641064 (VCV000641064.10), dbSNP rs571866276, ClinGen allele CA137594010.

ClinVar aggregate classification (germline): Uncertain significance. Review status: criteria provided, multiple submitters, no conflicts (2 of 4 stars). 2 submissions from 2 submitters: Uncertain significance (2). Last evaluated 2025-06-18.

Conditions:
Primary ciliary dyskinesia. Also called: Ciliary dyskinesia. Identifiers: Orphanet 244, MedGen C0008780, MONDO:0016575, HP:0012265.

Allele frequency attached by ClinVar (database versions not stated): gnomAD 0.00001; TOPMed 0.00002.
gnomAD v4.1: 33 of 1,612,934 alleles (0.002%); highest among the groups gnomAD compares: Admixed American, 0.005%; no homozygotes.

Submissions (2):

Ambry Genetics
Classification: Uncertain significance. Last evaluated: 2025-06-18. Review status: criteria provided, single submitter. Criteria: Ambry Variant Classification Scheme 2023. Collection method: clinical testing. Allele origin: germline.

Labcorp Genetics (formerly Invitae), Labcorp
Classification: Uncertain significance for Primary ciliary dyskinesia. Last evaluated: 2018-11-19. Review status: criteria provided, single submitter. Criteria: Invitae Variant Classification Sherloc (09022015). Collection method: clinical testing. Allele origin: germline.
Comment: In summary, the available evidence is currently insufficient to determine the role of this variant in disease. Therefore, it has been classified as a Variant of Uncertain Significance. Algorithms developed to predict the effect of missense changes on protein structure and function are either unavailable or do not agree on the potential impact of this missense change (SIFT: "Deleterious"; PolyPhen-2: "Not Available"; Align-GVGD: "Class C0"). This sequence change replaces valine with alanine at codon 2219 of the DNAH8 protein (p.Val2219Ala). The valine residue is highly conserved and there is a small physicochemical difference between valine and alanine. This variant is not present in population databases (ExAC no frequency).